The following is an entry in ClinVar:

ClinVar aggregate classification (germline): Pathogenic. Review status: criteria provided, multiple submitters, no conflicts (2 of 4 stars). 13 submissions from 11 submitters: Pathogenic (10). 3 of the submissions do not count toward it. Last evaluated 2026-01-20.

Conditions:
LAMB3-related disorder. Also called: LAMB3-related condition.
Junctional epidermolysis bullosa gravis of Herlitz. Also called: EPIDERMOLYSIS BULLOSA JUNCTIONALIS, HERLITZ TYPE; EPIDERMOLYSIS BULLOSA, JUNCTIONAL, HERLITZ-PEARSON TYPE; JEB-HERLITZ TYPE; Herlitz-type junctional epidermolysis bullosa; Epidermolysis Bullosa Letalis; EPIDERMOLYSIS BULLOSA, JUNCTIONAL 1B, SEVERE. Identifiers: Orphanet 79404, MedGen C0079683, MONDO:0009182, OMIM 226700.
Junctional epidermolysis bullosa, non-Herlitz type. Also called: Adult junctional epidermolysis bullosa; EPIDERMOLYSIS BULLOSA JUNCTIONALIS, DISENTIS TYPE; EPIDERMOLYSIS BULLOSA JUNCTIONALIS, NON-HERLITZ TYPE; EPIDERMOLYSIS BULLOSA JUNCTIONALIS, PROGRESSIVE; EPIDERMOLYSIS BULLOSA JUNCTIONALIS, SEVERE NONLETHAL; Epidermolysis bullosa, junctional, non-herlitz type, somatic mosaic revertant. Identifiers: Orphanet 251393, Orphanet 79402, Orphanet 79405, Orphanet 89840, MedGen C0268374, MONDO:0009180, OMIM 226650.
Amelogenesis imperfecta type 1A. Also called: Amelogenesis imperfecta local hypoplastic; Amelogenesis imperfecta, type IA; AMELOGENESIS IMPERFECTA, HYPOPLASTIC TYPE IA; Amelogenesis imperfecta, hypoplastic type. Identifiers: Orphanet 88661, MedGen C4011403, MONDO:0007094, OMIM 104530.
Junctional epidermolysis bullosa. Identifiers: Orphanet 305, MedGen C0079301, MONDO:0017612.

Allele frequency attached by ClinVar (database versions not stated): gnomAD exomes 0.00004 and 0.00005; gnomAD 0.00028.

Submissions (13):

Labcorp Genetics (formerly Invitae), Labcorp
Classification: Pathogenic. Last evaluated: 2026-01-20. Review status: criteria provided, single submitter. Criteria: Invitae Variant Classification Sherloc (09022015). Collection method: clinical testing. Allele origin: germline.
Comment: This sequence change creates a premature translational stop signal (p.Asn345Lysfs*77) in the LAMB3 gene. It is expected to result in an absent or disrupted protein product. Loss-of-function variants in LAMB3 are known to be pathogenic (PMID: 11023379, 16473856). The frequency data for this variant in the population databases is considered unreliable, as metrics indicate poor data quality at this position in the gnomAD database. This premature translational stop signal has been observed in individual(s) with autosomal recessive junctional epidermolysis bullosa (PMID: 16473856, 27480391). This variant is also known as 957ins77. ClinVar contains an entry for this variant (Variation ID: 279829). For these reasons, this variant has been classified as Pathogenic.

Myriad Genetics, Inc.
Classification: Pathogenic for Junctional epidermolysis bullosa. Last evaluated: 2025-11-17. Review status: criteria provided, single submitter. Criteria: Myriad Autosomal Dominant, Autosomal Recessive and X-Linked Classification Criteria (2023). Collection method: clinical testing. Allele origin: unknown.
Comment: NM_000228.2(LAMB3):c.958_1034dup77(N345Kfs*77) is a frameshift variant classified as pathogenic in the context of junctional epidermolysis bullosa, LAMB3-related. N345Kfs*77 has been observed in cases with relevant disease (PMID: 21801158, 27375110, 35222512). Relevant functional assessments of this variant are not available in the literature. N345Kfs*77 has been observed in referenced population frequency databases. In summary, NM_000228.2(LAMB3):c.958_1034dup77(N345Kfs*77) is a frameshift variant in a gene where loss of function is a known mechanism of disease, is predicted to disrupt protein function, and has been observed more frequently in cases with the relevant disease than in healthy populations. Please note: this variant was assessed in the context of healthy population screening.

Women's Health and Genetics/Laboratory Corporation of America, LabCorp
Classification: Pathogenic for Junctional epidermolysis bullosa. Last evaluated: 2025-03-07. Review status: criteria provided, single submitter. Criteria: LabCorp Variant Classification Summary - May 2015. Collection method: clinical testing. Allele origin: germline.
Comment: Variant summary: LAMB3 c.958_1034dup77 (p.Asn345LysfsX77) results in a premature termination codon, predicted to cause a truncation of the encoded protein or absence of the protein due to nonsense mediated decay, which are commonly known mechanisms for disease. The variant allele was found at a frequency of 4.4e-05 in 251456 control chromosomes. This variant has been reported in multiple patients with junctional epidermolysis bullosa (Fuentes BJD_2017). One patient carrying this variant and another pathogenic LAMB3 variant showed absence of laminin beta3 chain. The following publication have been ascertained in the context of this evaluation (PMID: 27480391). ClinVar contains an entry for this variant (Variation ID: 279829). Based on the evidence outlined above, the variant was classified as pathogenic.

Blueprint Genetics
Classification: Pathogenic for LAMB3-related disorders. Last evaluated: 2024-07-04. Review status: criteria provided, single submitter. Criteria: ACMG Guidelines, 2015. Collection method: clinical testing. Allele origin: germline. Affected: yes. Observed: 5 variant alleles.

Fulgent Genetics
Classification: Pathogenic for Amelogenesis imperfecta type 1A; Junctional epidermolysis bullosa, non-Herlitz type; Junctional epidermolysis bullosa gravis of Herlitz. Last evaluated: 2024-05-06. Review status: criteria provided, single submitter. Criteria: ACMG Guidelines, 2015. Collection method: clinical testing. Allele origin: germline.

Revvity Omics, Revvity
Classification: Pathogenic. Last evaluated: 2023-10-02. Review status: criteria provided, single submitter. Criteria: ACMG Guidelines, 2015. Collection method: clinical testing. Allele origin: germline.

Baylor Genetics
Classification: Pathogenic for Junctional epidermolysis bullosa gravis of Herlitz. Last evaluated: 2022-12-01. Review status: criteria provided, single submitter. Criteria: ACMG Guidelines, 2015. Collection method: clinical testing. Allele origin: unknown.

Baylor Genetics
Classification: Pathogenic for Junctional epidermolysis bullosa, non-Herlitz type. Last evaluated: 2022-12-01. Review status: criteria provided, single submitter. Criteria: ACMG Guidelines, 2015. Collection method: clinical testing. Allele origin: unknown.

Laboratorio de Genetica e Diagnostico Molecular, Hospital Israelita Albert Einstein
Classification: Pathogenic for Junctional epidermolysis bullosa gravis of Herlitz. Last evaluated: 2022-03-18. Review status: criteria provided, single submitter. Criteria: ACMG Guidelines, 2015. Collection method: clinical testing. Allele origin: germline. Affected: yes. Observed: 1 variant allele.
Comment: ACMG classification criteria: PVS1 very strong, PS3 supporting, PS4 moderated, PM2 moderated, PM3 supporting

GeneDx
Classification: Pathogenic. Last evaluated: 2020-09-25. Review status: criteria provided, single submitter. Criteria: GeneDx Variant Classification Process June 2021. Collection method: clinical testing. Allele origin: germline. Affected: yes.
Comment: Frameshift variant predicted to result in protein truncation or nonsense mediated decay in a gene for which loss-of-function is a known mechanism of disease; This variant is associated with the following publications: (PMID: 27375110, 7550237, 16473856)

PreventionGenetics, part of Exact Sciences
Classification: Pathogenic for LAMB3-related condition. Last evaluated: 2023-10-25. Review status: no assertion criteria provided. Collection method: clinical testing. Allele origin: germline. Not counted in ClinVar's aggregate classification.
Comment: The LAMB3 c.958_1034dup77 variant is predicted to result in a frameshift and premature protein termination (p.Asn345Lysfs*77). This variant is also referred to as c.957ins77 in the literature. It has been reported in multiple individuals with junctional epidermolysis bullosa (Table 1, Nakano et al. 2000. PubMed ID: 11023379; Varki et al. 2006. PubMed ID: 16473856; reported in the compound heterozygous state in Fuentes et al. 2017. PubMed ID: 27480391). This variant is reported in 0.040% of alleles in individuals of African descent in gnomAD. Frameshift variants in LAMB3 are expected to be pathogenic. This variant is interpreted as pathogenic.

Genomic Medicine Center of Excellence, King Faisal Specialist Hospital and Research Centre
Classification: Pathogenic for Junctional epidermolysis bullosa gravis of Herlitz. Last evaluated: 2021-04-29. Review status: no assertion criteria provided. Collection method: research. Allele origin: germline. Affected: yes. Not counted in ClinVar's aggregate classification.

Genomic Medicine Center of Excellence, King Faisal Specialist Hospital and Research Centre
Classification: Uncertain significance for Junctional epidermolysis bullosa, non-Herlitz type. Last evaluated: 2025-09-10. Review status: flagged submission. Criteria: ACMG Guidelines, 2015. Collection method: clinical testing. Allele origin: germline. Not counted in ClinVar's aggregate classification.
ClinVar note: Reason: Outlier claim with insufficient supporting evidence

Literature cited by the submitters: PubMed 11023379 (cited by Labcorp Genetics (formerly Invitae), Labcorp); PubMed 16473856 (cited by Labcorp Genetics (formerly Invitae), Labcorp); PubMed 27480391 (cited by Labcorp Genetics (formerly Invitae), Labcorp and Women's Health and Genetics/Laboratory Corporation of America, LabCorp); PubMed 21801158 (cited by Myriad Genetics, Inc.); PubMed 27375110 (cited by Myriad Genetics, Inc.); PubMed 35222512 (cited by Myriad Genetics, Inc.).

NM_000228.3(LAMB3):c.958_1034dup (p.Asn345fs)

Gene: LAMB3 (laminin subunit beta 3; minus strand). Cytogenetic location: 1q32.2.
Variant type: Duplication.
Coding change: c.958_1034dup on transcript NM_000228.3 (MANE Select); coding-DNA positions 958 to 1034, 77 bases duplicated.
Protein change: p.Asn345fs; shifts the reading frame from asparagine 345.
Molecular consequence: frameshift variant.
Genome position (GRCh38, 1-based): chr1:209,629,835-209,629,911, 77 bases duplicated. GRCh37 (hg19): chr1:209,803,180-209,803,256.
Other names: c.958_1034dup, p.Asn345fs (NM_001017402.2, NM_001127641.1); c.958_1034dup (NM_001017402.1); c.958_1034dupGGGCACTCAGAGACATGTCACTTTGACCCCGCTGTGTTTGCCGCCAGCCAGGGGGCATATGGAGGTGTGTGTGACAA (NM_000228.2); c.958_1034dup77 (NM_000228.3); short protein forms N345fs.
Identifiers: ClinVar variation 279829 (VCV000279829.47), dbSNP rs1553277702, ClinGen allele CA10602754.